The following is an entry in ClinVar:

NM_000760.4(CSF3R):c.757T>G (p.Trp253Gly)

Gene: CSF3R (colony stimulating factor 3 receptor; minus strand). Cytogenetic location: 1p34.3.
Variant type: single nucleotide variant.
Coding change: c.757T>G on transcript NM_000760.4 (MANE Select); coding-DNA position 757, T replaced by G.
Protein change: p.Trp253Gly; replaces tryptophan 253 with glycine.
Molecular consequence: missense variant.
Genome position (GRCh38, 1-based): chr1:36,472,603, A>C on the plus strand (T>G on the coding strand, the complement: CSF3R is on the minus strand). VCF-style: chr1-36472603-A-C. GRCh37 (hg19) VCF-style: chr1-36938204-A-C.
Other names: c.757T>G, p.Trp253Gly (NM_156039.3, NM_172313.3); short protein forms W253G.
Identifiers: ClinVar variation 1394978 (VCV001394978.6), dbSNP rs2124124183, ClinGen allele CA339423003.

ClinVar aggregate classification (germline): Uncertain significance (1 of 4 stars; one submission).

Conditions:
Autosomal recessive severe congenital neutropenia due to CSF3R deficiency. Also called: Neutropenia, severe congenital, 7, autosomal recessive. Identifiers: Orphanet 420702, MedGen C4310764, MONDO:0014865, OMIM 617014.

Submission:

Labcorp Genetics (formerly Invitae), Labcorp
Classification: Uncertain significance for Autosomal recessive severe congenital neutropenia due to CSF3R deficiency. Last evaluated: 2025-05-05. Review status: criteria provided, single submitter. Criteria: Invitae Variant Classification Sherloc (09022015). Collection method: clinical testing. Allele origin: germline.
Comment: This sequence change replaces tryptophan, which is neutral and slightly polar, with glycine, which is neutral and non-polar, at codon 253 of the CSF3R protein (p.Trp253Gly). This variant is not present in population databases (gnomAD no frequency). This variant has not been reported in the literature in individuals affected with CSF3R-related conditions. ClinVar contains an entry for this variant (Variation ID: 1394978). Invitae Evidence Modeling of protein sequence and biophysical properties (such as structural, functional, and spatial information, amino acid conservation, physicochemical variation, residue mobility, and thermodynamic stability) indicates that this missense variant is expected to disrupt CSF3R protein function with a positive predictive value of 80%. In summary, the available evidence is currently insufficient to determine the role of this variant in disease. Therefore, it has been classified as a Variant of Uncertain Significance.